The following is an entry in ClinVar:

ClinVar aggregate classification (germline): Uncertain significance (1 of 4 stars; one submission).

Submission:

GeneDx
Classification: Uncertain significance. Last evaluated: 2019-07-17. Review status: criteria provided, single submitter. Criteria: GeneDx Variant Classification Process June 2021. Collection method: clinical testing. Allele origin: germline. Affected: yes.
Comment: Not observed in large population cohorts (Lek et al., 2016); In silico analysis, which includes protein predictors and evolutionary conservation, supports a deleterious effect; Has not been previously published as pathogenic or benign to our knowledge; Missense variants in nearby residues reported in the Human Gene Mutation Database and at GeneDx in individuals with POLG-related disorders (Stenson et al., 2014)

NM_002693.3(POLG):c.3463A>T (p.Ile1155Phe)

Genes: POLG (DNA polymerase gamma, catalytic subunit; minus strand), POLGARF (POLG alternative reading frame; minus strand). Cytogenetic location: 15q26.1.
Variant type: single nucleotide variant.
Coding change: c.3463A>T on transcript NM_002693.3 (MANE Select); coding-DNA position 3463, A replaced by T.
Protein change: p.Ile1155Phe; replaces isoleucine 1155 with phenylalanine.
Molecular consequence: missense variant.
Genome position (GRCh38, 1-based): chr15:89,318,560, T>A on the plus strand (A>T on the coding strand, the complement: POLG is on the minus strand). VCF-style: chr15-89318560-T-A. GRCh37 (hg19) VCF-style: chr15-89861791-T-A.
Other names: c.3463A>T, p.Ile1155Phe (NM_001126131.2); short protein forms I1155F.
Identifiers: ClinVar variation 1307050 (VCV001307050.2), dbSNP rs749640920, ClinGen allele CA393749681.
Genomic context (GRCh38, chr15:89,318,560, plus strand): 5'-AGGAGCACATGGCCAGGCTAGAGGCCATGGGCCCCGCATACCTGGTCAAGAGGTTGGTGA[T>A]CTGCAAGGCCAGGGCAGCGCGGTAGCGGTCCTCCTCCCGCACCAGGTAGCGAACCTCGTC-3'
Protein context (NP_002684.1, residues 1145-1165): DRYRAALALQ[Ile1155Phe]TNLLTRCMFA